The following is an entry in ClinVar:

NM_001378457.1(DMXL2):c.4931C>T (p.Thr1644Met)

Gene: DMXL2 (Dmx like 2; minus strand). Cytogenetic location: 15q21.2.
Variant type: single nucleotide variant.
Coding change: c.4931C>T on transcript NM_001378457.1 (MANE Select); coding-DNA position 4931, C replaced by T.
Protein change: p.Thr1644Met; replaces threonine 1644 with methionine.
Molecular consequence: missense variant. On other transcripts: non-coding transcript variant (2).
Genome position (GRCh38, 1-based): chr15:51,491,600, G>A on the plus strand (C>T on the coding strand, the complement: DMXL2 is on the minus strand). VCF-style: chr15-51491600-G-A. GRCh37 (hg19) VCF-style: chr15-51783797-G-A.
Other names: c.4931C>T, p.Thr1644Met (NM_001174116.3, NM_001378458.1, NM_001378459.1 and 4 more transcripts); c.3023C>T, p.Thr1008Met (NM_001174117.3); c.2912C>T, p.Thr971Met (NM_001378460.1); c.4691C>T, p.Thr1564Met (NM_001378464.1); short protein forms T971M, T1008M, T1564M, T1644M.
Identifiers: ClinVar variation 1362537 (VCV001362537.3), dbSNP rs375484629, ClinGen allele CA7561923.

ClinVar aggregate classification (germline): Uncertain significance (1 of 4 stars; one submission).

Allele frequency attached by ClinVar (database versions not stated): ExAC 0.00005; gnomAD exomes 0.00005 and 0.00013; gnomAD 0.00007; ESP Exome Variant Server 0.00008; TOPMed 0.00011.
gnomAD v4.1: 194 of 1,607,850 alleles (0.012%); highest among the groups gnomAD compares: Non-Finnish European, 0.014%; no homozygotes.

Submission:

Labcorp Genetics (formerly Invitae), Labcorp
Classification: Uncertain significance. Last evaluated: 2022-09-27. Review status: criteria provided, single submitter. Criteria: Invitae Variant Classification Sherloc (09022015). Collection method: clinical testing. Allele origin: germline.
Comment: This sequence change replaces threonine, which is neutral and polar, with methionine, which is neutral and non-polar, at codon 1644 of the DMXL2 protein (p.Thr1644Met). This variant is present in population databases (rs375484629, gnomAD 0.04%). This missense change has been observed in individual(s) with clinical features of DMXL2-related conditions (PMID: 31785789). ClinVar contains an entry for this variant (Variation ID: 1362537). Algorithms developed to predict the effect of missense changes on protein structure and function are either unavailable or do not agree on the potential impact of this missense change (SIFT: "Deleterious"; PolyPhen-2: "Probably Damaging"; Align-GVGD: "Class C0"). In summary, the available evidence is currently insufficient to determine the role of this variant in disease. Therefore, it has been classified as a Variant of Uncertain Significance.

Literature cited by the submitters: PubMed 31785789.